The following is an entry in ClinVar:

NM_031407.7(HUWE1):c.8984C>T (p.Thr2995Ile)

Gene: HUWE1 (HECT, UBA and WWE domain containing E3 ubiquitin protein ligase 1; minus strand). Cytogenetic location: Xp11.22.
Variant type: single nucleotide variant.
Coding change: c.8984C>T on transcript NM_031407.7 (MANE Select); coding-DNA position 8984, C replaced by T.
Protein change: p.Thr2995Ile; replaces threonine 2995 with isoleucine.
Molecular consequence: missense variant.
Genome position (GRCh38, 1-based): chrX:53,551,378, G>A on the plus strand (C>T on the coding strand, the complement: HUWE1 is on the minus strand). VCF-style: chrX-53551378-G-A. GRCh37 (hg19) VCF-style: chrX-53578339-G-A.
Other names: short protein forms T2995I.
Identifiers: ClinVar variation 3029780 (VCV003029780.2), dbSNP rs991539680, ClinGen allele CA329187883.

ClinVar aggregate classification (germline): Uncertain significance (0 of 4 stars; one submission).

Conditions:
HUWE1-related disorder. Also called: HUWE1-related condition.

Allele frequency attached by ClinVar (database versions not stated): TOPMed below 0.00001.
gnomAD v4.1: 1 of 1,209,697 alleles (0.000083%); no homozygotes.

Submission:

PreventionGenetics, part of Exact Sciences
Classification: Uncertain significance for HUWE1-related condition. Last evaluated: 2023-11-27. Review status: no assertion criteria provided. Collection method: clinical testing. Allele origin: germline.
Comment: The HUWE1 c.8984C>T variant is predicted to result in the amino acid substitution p.Thr2995Ile. To our knowledge, this variant has not been reported in the literature or in a large population database, indicating this variant is rare. At this time, the clinical significance of this variant is uncertain due to the absence of conclusive functional and genetic evidence.